The following is an entry in ClinVar:

NM_003873.7(NRP1):c.433C>T (p.Pro145Ser)

Genes: NRP1 (neuropilin 1; minus strand), LOC126860910 (P300/CBP strongly-dependent group 1 enhancer GRCh37_chr10:33552654-33553853; plus strand). Cytogenetic location: 10p11.22.
Variant type: single nucleotide variant.
Coding change: c.433C>T on transcript NM_003873.7 (MANE Select); coding-DNA position 433, C replaced by T.
Protein change: p.Pro145Ser; replaces proline 145 with serine.
Molecular consequence: missense variant. On other transcripts: non-coding transcript variant (1).
Genome position (GRCh38, 1-based): chr10:33,263,871, G>A on the plus strand (C>T on the coding strand, the complement: NRP1 is on the minus strand). VCF-style: chr10-33263871-G-A. GRCh37 (hg19) VCF-style: chr10-33552799-G-A.
Other names: c.433C>T, p.Pro145Ser (NM_001024628.3, NM_001024629.3, NM_001244972.2 and 2 more transcripts); short protein forms P145S.
Identifiers: ClinVar variation 4988810 (VCV004988810.1).

ClinVar aggregate classification (germline): Uncertain significance (1 of 4 stars; one submission).

Conditions:
NRP1-related disorder. Also called: NRP1-related condition.

Submission:

PreventionGenetics, part of Exact Sciences
Classification: Uncertain significance for NRP1-related condition. Last evaluated: 2026-05-03. Review status: criteria provided, single submitter. Criteria: ACMG Guidelines, 2015. Collection method: clinical testing. Allele origin: germline.
Comment: The NRP1 c.433C>T variant is predicted to result in the amino acid substitution p.Pro145Ser. To our knowledge, this variant has not been reported in the literature or in a large population database (gnomAD), indicating this variant is rare. At this time, the clinical significance of this variant is uncertain due to the absence of conclusive functional and genetic evidence.